The following is an entry in ClinVar:

NM_007294.4(BRCA1):c.442C>T (p.Gln148Ter)

Gene: BRCA1 (BRCA1 DNA repair associated; minus strand). Cytogenetic location: 17q21.31.
Variant type: single nucleotide variant.
Coding change: c.442C>T on transcript NM_007294.4 (MANE Select); coding-DNA position 442, C replaced by T.
Protein change: p.Gln148Ter; replaces glutamine 148 with a stop codon.
Molecular consequence: nonsense.
Genome position (GRCh38, 1-based): chr17:43,099,880, G>A on the plus strand (C>T on the coding strand, the complement: BRCA1 is on the minus strand). VCF-style: chr17-43099880-G-A. GRCh37 (hg19) VCF-style: chr17-41251897-G-A.
Other names: NM_007294.4(BRCA1):c.442C>T; p.Gln148Ter; 561C>T; c.442C>T, p.Gln148Ter (NM_001407581.1, NM_001407582.1, NM_001407583.1 and 97 more transcripts); c.433C>T, p.Gln145Ter (NM_001407646.1, NM_001407647.1, NM_001408408.1); c.364C>T, p.Gln122Ter (NM_001407653.1, NM_001407654.1, NM_001407655.1 and 12 more transcripts); c.301C>T, p.Gln101Ter (NM_001407692.1, NM_001407694.1, NM_001407695.1 and 61 more transcripts); c.232C>T, p.Gln78Ter (NM_001407879.1, NM_001407881.1, NM_001407882.1 and 37 more transcripts); and 1 more; short protein forms Q148*, Q101*, Q145*, Q122*, Q21*, Q78*.
Identifiers: ClinVar variation 232203 (VCV000232203.28), dbSNP rs876659614, ClinGen allele CA10580699.
Genomic context (GRCh38, chr17:43,099,880, plus strand): 5'-TTGTCCTCAGAGTTCTCACAGTTCCAAGGTTAGAGAGTTGGACACTGAGACTGGTTTCCT[G>A]CTAAACAGTATGGTAAAGAACAGTCAAGCAATTGTTGGCCAGTTCTGTGCTTTTCCTCCT-3'

ClinVar aggregate classification (germline): Uncertain significance. Review status: reviewed by expert panel (3 of 4 stars). 8 submissions from 8 submitters: Uncertain significance (1). 7 of the submissions do not count toward it. Last evaluated 2026-11-19.

Conditions:
Hereditary breast ovarian cancer syndrome. Also called: Breast and ovarian cancer; Hereditary breast and ovarian cancer syndrome; BRCA1- and BRCA2-Associated Hereditary Breast and Ovarian Cancer; Hereditary breast and ovarian cancer; Hereditary breast and ovarian cancer syndrome (HBOC); Hereditary breast and/or ovarian cancer syndrome. Identifiers: Orphanet 145, MedGen C0677776, MeSH D061325, MONDO:0003582. Disease mechanism: loss of function.
Breast-ovarian cancer, familial, susceptibility to, 1 (BROVCA1). Also called: OVARIAN CANCER, SUSCEPTIBILITY TO; BRCA1 Hereditary Breast and Ovarian Cancer. Identifiers: Orphanet 145, MedGen C2676676, MONDO:0011450, OMIM 604370. Disease mechanism: loss of function.
BRCA1-related cancer predisposition. Identifiers: MedGen CN377757, MONDO:0700268.
Hereditary cancer-predisposing syndrome. Also called: Neoplastic Syndromes, Hereditary; Hereditary Cancer Syndrome; Tumor predisposition; Hereditary neoplastic syndrome. Identifiers: Orphanet 140162, MedGen C0027672, MeSH D009386, MONDO:0015356.

Submissions (8):

ClinGen ENIGMA BRCA1 and BRCA2 Variant Curation Expert Panel, ClinGen
Classification: Uncertain significance for BRCA1-related cancer predisposition. Last evaluated: 2026-11-19. Review status: reviewed by expert panel. Criteria: CSpec BRCA1/2ACMG Rules Specifications V1.2. Collection method: curation. Allele origin: germline. Inheritance: Autosomal dominant inheritance.
Comment: The c.442C>T variant in BRCA1 is predicted to cause a change in the length of the protein due to the insertion of a terminating codon instead of the usual Glutamine at amino acid 148 (p.(Gln148Ter)). Legacy exon numbering is shown in parentheses. This variant is absent from gnomAD v4.1 (read depth ≥25x in >90% samples, PM2_Supporting met). Nonsense variant predicted to cause a premature stop codon in biologically-relevant-exon 7(8) leading to nonsense mediated decay. This variant has delta SpliceAI scores of 0.08 for the canonical acceptor site and 0.22 for the cryptic acceptor site 3nt into the exon (7p3). Due to the predicted splice effect, this variant may not result in a PTC. According to the PVS1 decision tree, variants affecting the exon 7(8) acceptor site were assigned PVS1_Supporting because they are predicted to inactivate the 5′ but not the 3′ tandem acceptor site, resulting in upregulation of Δ7(8)p3, a short in-frame transcript encoding p.(Gln148del) that does not affect clinically relevant domains (Table 5, Appendices). In contrast, for the variant under assessment, c.442C>T, both acceptor sites are predicted to remain viable. Consequently, both the full-length transcript containing the nonsense variant and the Δ7p3 in-frame transcript are predicted to be produced, supporting the assignment of PVS1_Moderate (PVS1_Moderate met). The ENIGMA BRCA1/2 VCEP considered multiple lines of functional and clinical evidence to define exon-specific weights for PTC in BRCA1, and results indicate that supporting evidence towards pathogenicity may be applied for a PTC variant in BRCA1 exon 7(8) (PM5_Supporting (PTC) met). Multifactorial likelihood ratio analysis using clinically calibrated data produced a combined LR for this variant of 1.44 (based on Co-occurrence LR=1.07; Family History LR=1.35), which is above the ENIGMA BRCA1/2 VCEP threshold for BP5 (>0.48) and below PP4 (<2.08) (BP5 and PP4 not met; PMID: 31853058, Internal lab contributor). In summary, this variant meets the criteria to be classified as a Variant of uncertain significance for BRCA1-related cancer predisposition based on the ACMG/AMP criteria applied as specified by the ENIGMA BRCA1/2 VCEP (PM2_Supporting, PVS1_Moderate, PM5_Supporting (PTC)).

Women's Health and Genetics/Laboratory Corporation of America, LabCorp
Classification: Uncertain significance. Last evaluated: 2024-12-02. Review status: criteria provided, single submitter. Criteria: LabCorp Variant Classification Summary - May 2015. Collection method: clinical testing. Allele origin: germline. Not counted in ClinVar's aggregate classification.
Comment: Variant summary: BRCA1 c.442C>T (p.Gln148X) results in a premature termination codon, predicted to cause a truncation of the encoded protein or absence of the protein due to nonsense mediated decay, which are commonly known mechanisms for disease. As the variant alters the first coding nucleotide (c.442) of exon 7 (also known as exon 8) located adjacent to the splice acceptor sequence, several computational tools predict a significant impact on normal splicing: Two predict the variant weakens the canonical 3' splicing acceptor site. Three predict the variant weakens the adjacent cryptic exonic alternate 3' acceptor site following nucleotide c.444. Internal RNA analysis (partner laboratory) confirms that there is expression of a naturally occurring isoform due to activation of a cryptic splice site 3 nucleotides upstream of the natural splice site. This can potentially rescue the effect of this variant due to an in-frame skipping of Gln148 amino acid residue. This observation is seen in carriers and controls. The variant was absent in 251404 control chromosomes. The available data on variant occurrences in the general population are insufficient to allow any conclusion about variant significance. c.442C>T has been reported in the literature in at-least one individual undergoing multigene panel analysis (example, Lilyquist_2017). These report(s) do not provide unequivocal conclusions about association of the variant with Hereditary Breast And Ovarian Cancer Syndrome. To our knowledge, no experimental evidence demonstrating an impact on protein function has been reported. The following publications have been ascertained in the context of this evaluation (PMID: 28888541, 20232141, 16551709). ClinVar contains an entry for this variant (Variation ID: 232203). Based on the evidence outlined above, the variant was classified as uncertain significance.

Labcorp Genetics (formerly Invitae), Labcorp
Classification: Uncertain significance for Hereditary breast ovarian cancer syndrome. Last evaluated: 2023-08-28. Review status: criteria provided, single submitter. Criteria: Invitae Variant Classification Sherloc (09022015). Collection method: clinical testing. Allele origin: germline. Not counted in ClinVar's aggregate classification.
Comment: RNA studies show that the effect of this premature translational stop signal can be potentially rescued by a naturally-occurring isoform that results in skipping of the last amino acid residue of exon 7 (also known as exon 8), but is expected to preserve the integrity of the reading-frame (PMID: 28905878, 24569164, Invitae). In summary, the available evidence is currently insufficient to determine the role of this variant in disease. Therefore, it has been classified as a Variant of Uncertain Significance. ClinVar contains an entry for this variant (Variation ID: 232203). This premature translational stop signal has been observed in individual(s) with ovarian cancer (PMID: 28888541). This variant is not present in population databases (gnomAD no frequency). This sequence change creates a premature translational stop signal (p.Gln148*) in the BRCA1 gene. It is expected to result in an absent or disrupted protein product. Loss-of-function variants in BRCA1 are known to be pathogenic (PMID: 20104584). However, RNA analysis indicates that alternative usage of a cryptic splice site in exon 7, which results in the in-frame skipping of Gln148 amino acid residue, may functionally rescue this variant.

Color Diagnostics, LLC DBA Color Health
Classification: Uncertain significance for Hereditary cancer-predisposing syndrome. Last evaluated: 2023-03-14. Review status: criteria provided, single submitter. Criteria: ACMG Guidelines, 2015. Collection method: clinical testing. Allele origin: germline. Not counted in ClinVar's aggregate classification.
Comment: This variant changes 1 nucleotide in exon 7 of the BRCA1 gene, creating a premature translation stop signal in the first codon of exon 7. The variant transcript is expected to undergo nonsense-mediated decay, resulting in an absent or non-functional protein product. There is a naturally occurring alternate transcript lacking the first 3 bp of exon 7 that may account for approximately one-third of total BRCA1 transcripts in normal tissues (PMID: 24569164, 28905878, 32133419). Because this truncation variant falls within the first 3 bp of exon 7, there is a possibility that the alternative splicing product could ameliorate the deleterious impact of this variant. However, this hypothesis has not been investigated in published functional studies. This variant has been detected in individuals with BRCA1-associated clinical features, as well as in unaffected individuals (communication with external laboratories). This variant has been observed in one family, and a multifactorial analysis based on co-occurrence with other pathogenic variant(s) and family history was not conclusive about the pathogenicity of this variant (PMID: 31131967). This variant has not been identified in the general population by the Genome Aggregation Database (gnomAD). The available evidence is insufficient to determine the role of this variant in disease conclusively. Therefore, this variant is classified as a Variant of Uncertain Significance.

Revvity Omics, Revvity
Classification: Likely pathogenic. Last evaluated: 2023-03-14. Review status: criteria provided, single submitter. Criteria: ACMG Guidelines, 2015. Collection method: clinical testing. Allele origin: germline. Not counted in ClinVar's aggregate classification.

Ambry Genetics
Classification: Uncertain significance for Hereditary cancer-predisposing syndrome. Last evaluated: 2021-05-26. Review status: criteria provided, single submitter. Criteria: Ambry Variant Classification Scheme 2023. Collection method: clinical testing. Allele origin: germline. Not counted in ClinVar's aggregate classification.
Comment: The p.Q148* variant (also known as c.442C>T), located in coding exon 6 of the BRCA1 gene, results from a C to T substitution at nucleotide position 442. This changes the amino acid from a glutamine to a stop codon within coding exon 6. RNA studies have shown that there is significant use of an alternative splice acceptor site at the beginning of coding exon 6 that would remove this alteration from the final transcript and result in a potentially functional protein (Ambry internal data; Colombo M et al. Hum Mol Genet. 2014 Jul 15;23(14):3666-80; Davy G et al. Eur J Hum Genet. 2017 Oct; 25(10): 1147&ndash;1154). Since supporting evidence is conflicting at this time, the clinical significance of this alteration remains unclear.

GeneDx
Classification: Pathogenic. Last evaluated: 2021-03-29. Review status: criteria provided, single submitter. Criteria: GeneDx Variant Classification Process June 2021. Collection method: clinical testing. Allele origin: germline. Affected: yes. Not counted in ClinVar's aggregate classification.
Comment: Nonsense variant predicted to result in protein truncation or nonsense mediated decay in a gene for which loss-of-function is a known mechanism of disease; Has not been previously published as pathogenic or benign to our knowledge; Not observed in large population cohorts (Lek 2016); Truncating variants in this gene are considered pathogenic by a well-established clinical consortium and/or database; Also known as 561C>T; This variant is associated with the following publications: (PMID: 31131967)

Sharing Clinical Reports Project (SCRP)
Classification: Likely pathogenic for Breast-ovarian cancer, familial 1. Last evaluated: 2011-12-01. Review status: no assertion criteria provided. Collection method: clinical testing. Allele origin: germline. Not counted in ClinVar's aggregate classification.

Literature cited by the submitters: PubMed 16551709 (cited by Women's Health and Genetics/Laboratory Corporation of America, LabCorp); PubMed 20232141 (cited by Women's Health and Genetics/Laboratory Corporation of America, LabCorp); PubMed 28888541 (cited by Women's Health and Genetics/Laboratory Corporation of America, LabCorp and Labcorp Genetics (formerly Invitae), Labcorp); PubMed 28905878 (cited by Labcorp Genetics (formerly Invitae), Labcorp and Color Diagnostics, LLC DBA Color Health); PubMed 24569164 (cited by Labcorp Genetics (formerly Invitae), Labcorp and Color Diagnostics, LLC DBA Color Health); PubMed 20104584 (cited by Labcorp Genetics (formerly Invitae), Labcorp); PubMed 31131967 (cited by Color Diagnostics, LLC DBA Color Health); PubMed 32133419 (cited by Color Diagnostics, LLC DBA Color Health).